The following is an entry in ClinVar:

NM_002840.5(PTPRF):c.3062C>T (p.Ala1021Val)

Gene: PTPRF (protein tyrosine phosphatase receptor type F; plus strand). Cytogenetic location: 1p34.2.
Variant type: single nucleotide variant.
Coding change: c.3062C>T on transcript NM_002840.5 (MANE Select); coding-DNA position 3062, C replaced by T.
Protein change: p.Ala1021Val; replaces alanine 1021 with valine.
Molecular consequence: missense variant.
Genome position (GRCh38, 1-based): chr1:43,604,927, C>T. VCF-style: chr1-43604927-C-T. GRCh37 (hg19) VCF-style: chr1-44070598-C-T.
Other names: c.2195C>T, p.Ala732Val (NM_001329137.2); c.2207C>T, p.Ala736Val (NM_001329138.2); c.2177C>T, p.Ala726Val (NM_001329139.2); c.2150C>T, p.Ala717Val (NM_001329140.2); c.3035C>T, p.Ala1012Val (NM_130440.4); short protein forms A1012V, A1021V, A717V, A726V, A732V, A736V.
Identifiers: ClinVar variation 5038799 (VCV005038799.1).
Genomic context (GRCh38, chr1:43,604,927, plus strand): 5'-TACCCAGCAGAGCTGACTCTCTCTATGCCTTTGCAGTGTTTGCCAAGAACTTCCGGGTGG[C>T]GGCTGCAATGAAGACGTCTGTGCTGCTCAGCTGGGAGGTTCCCGACTCCTATAAGTCAGC-3'
Protein context (NP_002831.2, residues 1011-1031): EQVFAKNFRV[Ala1021Val]AAMKTSVLLS

ClinVar aggregate classification (germline): Likely benign (1 of 4 stars; one submission).

gnomAD v4.1: 395 of 1,614,068 alleles (0.024%); highest among the groups gnomAD compares: Middle Eastern, 0.21%; 3 homozygotes.

Submission:

CeGaT Center for Human Genetics Tuebingen
Classification: Likely benign. Last evaluated: 2026-08-01. Review status: criteria provided, single submitter. Criteria: CeGaT Center For Human Genetics Tuebingen Variant Classification Criteria Version 2. Collection method: clinical testing. Allele origin: germline. Affected: yes. Observed: 1 variant allele.
Comment: PTPRF: BP4